The following is an entry in ClinVar:

NM_015215.4(CAMTA1):c.1223C>A (p.Ala408Asp)

Gene: CAMTA1 (calmodulin binding transcription activator 1; plus strand). Cytogenetic location: 1p36.23.
Variant type: single nucleotide variant.
Coding change: c.1223C>A on transcript NM_015215.4 (MANE Select); coding-DNA position 1223, C replaced by A.
Protein change: p.Ala408Asp; replaces alanine 408 with aspartic acid.
Molecular consequence: missense variant.
Genome position (GRCh38, 1-based): chr1:7,663,770, C>A. VCF-style: chr1-7663770-C-A. GRCh37 (hg19) VCF-style: chr1-7723830-C-A.
Other names: c.1133C>A, p.Ala378Asp (NM_001349608.2, NM_001349612.2); c.1223C>A, p.Ala408Asp (NM_001349609.2, NM_001349610.2, NM_001410737.1); c.1151C>A, p.Ala384Asp (NM_001410738.1); short protein forms A378D, A384D, A408D.
Identifiers: ClinVar variation 3349123 (VCV003349123.1).
Genomic context (GRCh38, chr1:7,663,770, plus strand): 5'-CTGTGATGGGGAGCTTGTCCCAGAGCGCCACGGTGTTCATGTCAGAGGTCACCAATGAGG[C>A]CGTGTACACCATGTCCCCCACCGCTGGCCCCAACCACCACCTCCTCTCACCTGACGCCTC-3'
Protein context (NP_056030.1, residues 398-418): TVFMSEVTNE[Ala408Asp]VYTMSPTAGP

ClinVar aggregate classification (germline): Uncertain significance (0 of 4 stars; one submission).

Conditions:
CAMTA1-related disorder. Also called: CAMTA1-related condition.

Submission:

PreventionGenetics, part of Exact Sciences
Classification: Uncertain significance for CAMTA1-related condition. Last evaluated: 2024-03-07. Review status: no assertion criteria provided. Collection method: clinical testing. Allele origin: germline.
Comment: The CAMTA1 c.1223C>A variant is predicted to result in the amino acid substitution p.Ala408Asp. To our knowledge, this variant has not been reported in the literature or in a large population database, indicating this variant is rare. At this time, the clinical significance of this variant is uncertain due to the absence of conclusive functional and genetic evidence.